The following continues an entry in ClinVar:

NM_000152.5(GAA):c.1856G>A (p.Ser619Asn)

Gene: GAA. ClinVar aggregate classification (germline): Pathogenic. Pathogenic (1).

Submissions 10 to 16 of 16:

GeneDx
Classification: Pathogenic. Last evaluated: 2023-12-04. Review status: criteria provided, single submitter. Criteria: GeneDx Variant Classification Process June 2021. Collection method: clinical testing. Allele origin: germline. Affected: yes. Not counted in ClinVar's aggregate classification.
Comment: Published functional studies demonstrate reduced total enzyme amount and in vitro enzyme activity (PMID: 16838077); In silico analysis supports that this missense variant has a deleterious effect on protein structure/function; This variant is associated with the following publications: (PMID: 34530085, 31589614, 33202836, 23668440, 16838077, 26946079, 31086307, 21471980, 25052852, 14643388, 19862843, 22194990, 22980766, 22990675, 27363342, 25213570, 25998610, 33073007, 29124014, 24158270)

Laboratory for Molecular Medicine, Mass General Brigham Personalized Medicine
Classification: Pathogenic for Glycogen storage disease, type II. Last evaluated: 2022-11-03. Review status: criteria provided, single submitter. Criteria: ACMG Guidelines, 2015. Collection method: clinical testing. Allele origin: germline. Not counted in ClinVar's aggregate classification.
Comment: The p.Ser619Asn variant in GAA has been reported in at least 8 individuals (6 in the compound heterozygous state) with Glycogen Storage Disease II. Of note, in 2 of these individuals (one homozygote and one compound heterozygote), this variant was in cis with the known pathogenic variant c.-32-13T>G (Gallardo 2011 PMID: 22194990, Arslan 2016 PMID: 26946079, Alejaldre 2012 PMID: 22980766, Kroos 2006 PMID: 16838077, Remiche 2014 PMID: 24158270, Parenti 2014 PMID: 25052852, Fecarotta 2013 PMID: 23668440, Gutiérrez-Rivas 2015 PMID: 25998610). This variant has also been reported in ClinVar (Variation ID: 370146) and has been identified in 2/4830 of South Asian and 1/67968 of European chromosomes by gnomAD. In vitro functional studies using patient tissues provide some evidence that this variant may impact proteolytic activation of GAA and GAA activity (Kroos 2006 PMID: 16838077). However, these types of assays may not accurately represent biological function. Computational prediction tools and conservation analyses suggest that this variant may impact the protein, though this information is not predictive enough to determine pathogenicity. Another variant involving this codon (p.Ser619Arg) has been identified in individuals with autosomal recessive Glycogen Storage Disease II and is classified as likely pathogenic/pathogenic in ClinVar. In summary, this variant meets criteria to be classified as pathogenic for autosomal recessive Glycogen Storage Disease II. ACMG/AMP Criteria applied: PS3_Moderate, PM2_Supporting, PM5, PP3, PM3_Very strong.

CeGaT Center for Human Genetics Tuebingen
Classification: Pathogenic. Last evaluated: 2021-09-01. Review status: criteria provided, single submitter. Criteria: CeGaT Center For Human Genetics Tuebingen Variant Classification Criteria Version 2. Collection method: clinical testing. Allele origin: germline. Affected: yes. Observed: 1 variant allele. Not counted in ClinVar's aggregate classification.

Kariminejad - Najmabadi Pathology & Genetics Center
Classification: Likely pathogenic for Abnormality of metabolism/homeostasis. Last evaluated: 2021-07-10. Review status: criteria provided, single submitter. Criteria: ACMG Guidelines, 2015. Collection method: clinical testing. Allele origin: germline. Not counted in ClinVar's aggregate classification.

Broad Center for Mendelian Genomics, Broad Institute of MIT and Harvard
Classification: Pathogenic for Glycogen storage disease, type II. Last evaluated: 2020-01-22. Review status: criteria provided, single submitter. Criteria: ACMG Guidelines, 2015. Collection method: curation. Allele origin: germline. Inheritance: Autosomal recessive inheritance. Not counted in ClinVar's aggregate classification.
Comment: The p.Ser619Asn variant in GAA has been reported in 8 individuals with Glycogen Storage Disease II (PMID: 22194990, 26946079, 22980766, 16838077, 24158270, 25052852, 23668440, 25998610). This variant has also been reported likely pathogenic by Counsyl in ClinVar (Variation ID: 370146) and has been identified in 0.013% (4/29974) of South Asian chromosomes by the Genome Aggregation Database (gnomAD; dbSNP rs753269119). Although this variant has been seen in the general population, its frequency is low enough to be consistent with a recessive carrier frequency. In vitro functional studies provide some evidence that the p.Ser619Asn variant may impact proteolytic activation of GAA and GAA activity (PMID: 16838077, 19862843). However, these types of assays may not accurately represent biological function. Computational prediction tools and conservation analyses suggest that this variant may impact the protein, though this information is not predictive enough to determine pathogenicity. One pathogenic additional variant at the the same position, p.Ser619Arg, has been reported in association with disease in ClinVar, supporting that a change at this position may not be tolerated (Variation ID: 550825). The presence of this variant in combination with a pathogenic variant and in an individual with Glycogen Storage Disease II increases the likelihood that the p.Ser619Asn variant is pathogenic (PMID: 16838077). Of note, this variant has also been observed in cis with the known pathogenic variant c.-32-13T>G with both variants in the homozygous state in an individual with Glycogen Storage Disorder II (PMID: 26946079). The phenotype of individuals homozygous and heterozygous for this variant is highly specific for Glycogen Storage Disease II based on reduced GAA activity in relevant tissue, consistent with disease (PMID: 24158270, 26946079, 16838077). In summary, this variant meets criteria to be classified as pathogenic for Glycogen Storage Disease II in an autosomal recessive manner based on in vitro functional studies, another pathogenic variant at the same position, and low frequency in the general population. ACMG/AMP Criteria applied: PS3, PM2, PM5, PP3, PM3_Supporting, PP4 (Richards 2015).

Women's Health and Genetics/Laboratory Corporation of America, LabCorp
Classification: Pathogenic for Glycogen storage disease, type II. Last evaluated: 2019-01-10. Review status: criteria provided, single submitter. Criteria: LabCorp Variant Classification Summary - May 2015. Collection method: clinical testing. Allele origin: germline. Not counted in ClinVar's aggregate classification.
Comment: Variant summary: GAA c.1856G>A (p.Ser619Asn) results in a conservative amino acid change in the encoded protein sequence. Four of five in-silico tools predict a damaging effect of the variant on protein function. The variant allele was found at a frequency of 1.7e-05 in 237486 control chromosomes (gnomAD). The variant, c.1856G>A, has been reported in the literature in individuals affected with Glycogen Storage Disease, Type 2 (Pompe Disease)(Kroos_2006, Remiche_2014, Gallardo_2011, Parenti_2014, Arslan_2016). One patient, Arslan_2016, was found to be homozygous for two deleterious variants, the variant of interest and c.32-13T>G, to which the authors indicate the phenotype was more progressive. These data indicate that the variant may be associated with disease. At least one publication reports experimental evidence evaluating an impact on protein function. The most pronounced variant effect results in <10% of residual acid -glucosidase activity (Kroos_2006). A ClinVar submission from a clinical diagnostic laboratory (evaluation after 2014) cites the variant as likely pathogenic. Based on the evidence outlined above, the variant was classified as pathogenic.

Counsyl
Classification: Likely pathogenic for Glycogen storage disease, type II. Last evaluated: 2015-11-30. Review status: no assertion criteria provided. Collection method: clinical testing. Allele origin: unknown. Not counted in ClinVar's aggregate classification.

Literature cited by the submitters: PubMed 16838077 (cited by 7 submitters); PubMed 24158270 (cited by 7 submitters); PubMed 25998610 (cited by Genomenon, Inc and Labcorp Genetics (formerly Invitae), Labcorp); PubMed 19862843 (cited by 4 submitters); PubMed 37087815 (cited by Natera, Inc. and Ambry Genetics); PubMed 22194990 (cited by 3 submitters); PubMed 25052852 (cited by 4 submitters); PubMed 26946079 (cited by 3 submitters); PubMed 31086307 (cited by Ambry Genetics); PubMed 33202836 (cited by Ambry Genetics); PubMed 22990675 (cited by Labcorp Genetics (formerly Invitae), Labcorp); PubMed 14643388 (cited by Labcorp Genetics (formerly Invitae), Labcorp); PubMed 21471980 (cited by Labcorp Genetics (formerly Invitae), Labcorp); PubMed 25213570 (cited by Labcorp Genetics (formerly Invitae), Labcorp); PubMed 27363342 (cited by Labcorp Genetics (formerly Invitae), Labcorp); PubMed 29124014 (cited by Labcorp Genetics (formerly Invitae), Labcorp); PubMed 23668440 (cited by Broad Center for Mendelian Genomics, Broad Institute of MIT and Harvard); PubMed 22980766 (cited by Broad Center for Mendelian Genomics, Broad Institute of MIT and Harvard and Counsyl).